The following is an entry in ClinVar:

ClinVar aggregate classification (germline): Uncertain significance (0 of 4 stars; one submission).

Conditions:
PLXNA2-related disorder. Also called: PLXNA2-related condition.

gnomAD v4.1: 6 of 1,614,244 alleles (0.00037%); highest among the groups gnomAD compares: South Asian, 0.0022%; no homozygotes.

Submission:

PreventionGenetics, part of Exact Sciences
Classification: Uncertain significance for PLXNA2-related condition. Last evaluated: 2024-04-24. Review status: no assertion criteria provided. Collection method: clinical testing. Allele origin: germline.
Comment: The PLXNA2 c.3479C>T variant is predicted to result in the amino acid substitution p.Ser1160Leu. To our knowledge, this variant has not been reported in the literature. This variant is reported in 0.0033% of alleles in individuals of South Asian descent in gnomAD. At this time, the clinical significance of this variant is uncertain due to the absence of conclusive functional and genetic evidence.

NM_025179.4(PLXNA2):c.3479C>T (p.Ser1160Leu)

Gene: PLXNA2 (plexin A2; minus strand). Cytogenetic location: 1q32.2.
Variant type: single nucleotide variant.
Coding change: c.3479C>T on transcript NM_025179.4 (MANE Select); coding-DNA position 3479, C replaced by T.
Protein change: p.Ser1160Leu; replaces serine 1160 with leucine.
Molecular consequence: missense variant.
Genome position (GRCh38, 1-based): chr1:208,045,894, G>A on the plus strand (C>T on the coding strand, the complement: PLXNA2 is on the minus strand). VCF-style: chr1-208045894-G-A. GRCh37 (hg19) VCF-style: chr1-208219239-G-A.
Other names: short protein forms S1160L.
Identifiers: ClinVar variation 3358678 (VCV003358678.1).